The following is an entry in ClinVar:

ClinVar aggregate classification (germline): Conflicting classifications of pathogenicity. Review status: criteria provided, conflicting classifications (1 of 4 stars). 5 submissions from 5 submitters: Uncertain significance (3); Benign (1); Likely benign (1). Last evaluated 2025-05-21.

Conditions:
Autosomal dominant optic atrophy classic form (OPA1). Also called: KJER-TYPE OPTIC ATROPHY; OPTIC ATROPHY, JUVENILE; Optic Atrophy Type 1. Identifiers: Orphanet 98673, MedGen C0338508, MONDO:0008134, OMIM 165500.
Inborn genetic diseases. Identifiers: MedGen C0950123, MeSH D030342.

Allele frequency attached by ClinVar (database versions not stated): TOPMed below 0.00001; gnomAD 0.00002 and below 0.00001; gnomAD exomes 0.00003 and 0.00006; ExAC 0.00008; 1000 Genomes Project 30x 0.00016; 1000 Genomes Project 0.00020.
gnomAD v4.1: 54 of 1,612,608 alleles (0.0033%); highest among the groups gnomAD compares: South Asian, 0.054%; 1 homozygote.

Submissions (5):

Mayo Clinic Laboratories, Mayo Clinic
Classification: Uncertain significance. Last evaluated: 2025-05-21. Review status: criteria provided, single submitter. Criteria: ACMG Guidelines, 2015. Collection method: clinical testing. Allele origin: germline. Observed: 1 variant allele.

Ambry Genetics
Classification: Uncertain significance for Inborn genetic diseases. Last evaluated: 2025-05-06. Review status: criteria provided, single submitter. Criteria: Ambry Variant Classification Scheme 2023. Collection method: clinical testing. Allele origin: germline.

Labcorp Genetics (formerly Invitae), Labcorp
Classification: Benign. Last evaluated: 2024-11-22. Review status: criteria provided, single submitter. Criteria: Invitae Variant Classification Sherloc (09022015). Collection method: clinical testing. Allele origin: germline.

GeneDx
Classification: Uncertain significance. Last evaluated: 2023-02-10. Review status: criteria provided, single submitter. Criteria: GeneDx Variant Classification Process June 2021. Collection method: clinical testing. Allele origin: germline. Affected: yes.
Comment: In silico analysis supports that this missense variant does not alter protein structure/function; Has not been previously published as pathogenic or benign to our knowledge

Illumina Laboratory Services, Illumina
Classification: Likely benign for Autosomal dominant optic atrophy classic form. Last evaluated: 2018-01-12. Review status: criteria provided, single submitter. Criteria: ICSL Variant Classification Criteria 13 December 2019. Collection method: clinical testing. Allele origin: germline.
Comment: This variant was observed in the ICSL laboratory as part of a predisposition screen in an ostensibly healthy population. It had not been previously curated by ICSL or reported in the Human Gene Mutation Database (HGMD: prior to June 1st, 2018), and was therefore a candidate for classification through an automated scoring system. Utilizing variant allele frequency, disease prevalence and penetrance estimates, and inheritance mode, an automated score was calculated to assess if this variant is too frequent to cause the disease. Based on the score and internal cut-off values, a variant classified as likely benign is not then subjected to further curation. The score for this variant resulted in a classification of likely benign for this disease.

NM_130837.3(OPA1):c.1737G>C (p.Gln579His)

Gene: OPA1 (OPA1 mitochondrial dynamin like GTPase; plus strand). Cytogenetic location: 3q29.
Variant type: single nucleotide variant.
Coding change: c.1737G>C on transcript NM_130837.3 (MANE Select); coding-DNA position 1737, G replaced by C.
Protein change: p.Gln579His; replaces glutamine 579 with histidine.
Molecular consequence: missense variant.
Genome position (GRCh38, 1-based): chr3:193,645,783, G>C. VCF-style: chr3-193645783-G-C. GRCh37 (hg19) VCF-style: chr3-193363572-G-C.
Other names: p.Gln524His; c.1203G>C, p.Gln401His (NM_001354663.2); c.1200G>C, p.Gln400His (NM_001354664.2); c.1572G>C, p.Gln524His (NM_015560.3); c.1464G>C, p.Gln488His (NM_130831.3); c.1518G>C, p.Gln506His (NM_130832.3); c.1575G>C, p.Gln525His (NM_130833.3); c.1626G>C, p.Gln542His (NM_130834.3); and 2 more; short protein forms Q579H, Q524H, Q400H, Q506H, Q401H, Q488H, Q542H, Q543H.
Identifiers: ClinVar variation 344486 (VCV000344486.13), dbSNP rs538099724, ClinGen allele CA2759463.